The following is an entry in ClinVar:

NC_000011.10:g.47333337C>T

Gene: MYBPC3 (myosin binding protein C3; minus strand). Cytogenetic location: 11p11.2.
Variant type: single nucleotide variant.
Genome position: GRCh38 VCF-style: chr11-47333337-C-T. GRCh37 (hg19) VCF-style: chr11-47354888-C-T.
Other names: c.3191-4G>A (LRG_386t1, NM_000256.3).
Identifiers: ClinVar variation 628826 (VCV000628826.13), dbSNP rs764672273, ClinGen allele CA079219.

ClinVar aggregate classification (germline): Likely benign. Review status: criteria provided, multiple submitters, no conflicts (2 of 4 stars). 4 submissions from 4 submitters: Likely benign (4). Last evaluated 2024-08-27.

Conditions:
Cardiovascular phenotype. Identifiers: MedGen CN230736.
Cardiomyopathy (CMYO). Also called: Cardiomyopathies. Identifiers: Orphanet 167848, MedGen C0878544, MONDO:0004994, HP:0001638. Inheritance: Various modes of inheritance.
Hypertrophic cardiomyopathy. Also called: HYPERTROPHIC MYOCARDIOPATHY. Identifiers: Orphanet 217569, MedGen C0007194, MeSH D002312, MONDO:0005045, HP:0001639.

Allele frequency attached by ClinVar (database versions not stated): TOPMed 0.00002; ExAC 0.00003.

Submissions (4):

Labcorp Genetics (formerly Invitae), Labcorp
Classification: Likely benign for Hypertrophic cardiomyopathy. Last evaluated: 2024-08-27. Review status: criteria provided, single submitter. Criteria: Invitae Variant Classification Sherloc (09022015). Collection method: clinical testing. Allele origin: germline.

All of Us Research Program, National Institutes of Health
Classification: Likely benign for Hypertrophic cardiomyopathy. Last evaluated: 2023-10-27. Review status: criteria provided, single submitter. Criteria: ACMG Guidelines, 2015. Collection method: clinical testing. Allele origin: germline. Inheritance: Autosomal dominant inheritance. Observed: 1 variant allele, 1 heterozygote.
Comment: This study involves interpretation of variants in research participants for the purpose of population health screening. Participant phenotype was not available at the time of variant classification. Additional details can be found in publication PMID: 35346344, PMCID: PMC8962531

Ambry Genetics
Classification: Likely benign for Cardiovascular phenotype. Last evaluated: 2022-08-10. Review status: criteria provided, single submitter. Criteria: Ambry Variant Classification Scheme 2023. Collection method: clinical testing. Allele origin: germline.

Color Diagnostics, LLC DBA Color Health
Classification: Likely benign for Cardiomyopathy. Last evaluated: 2018-07-09. Review status: criteria provided, single submitter. Criteria: ACMG Guidelines, 2015. Collection method: clinical testing. Allele origin: germline.